The following is an entry in ClinVar:

NM_013254.4(TBK1):c.1613A>G (p.His538Arg)

Gene: TBK1 (TANK binding kinase 1; plus strand). Cytogenetic location: 12q14.2.
Variant type: single nucleotide variant.
Coding change: c.1613A>G on transcript NM_013254.4 (MANE Select); coding-DNA position 1613, A replaced by G.
Protein change: p.His538Arg; replaces histidine 538 with arginine.
Molecular consequence: missense variant.
Genome position (GRCh38, 1-based): chr12:64,495,574, A>G. VCF-style: chr12-64495574-A-G. GRCh37 (hg19) VCF-style: chr12-64889354-A-G.
Other names: short protein forms H538R.
Identifiers: ClinVar variation 4738238 (VCV004738238.1).

ClinVar aggregate classification (germline): Uncertain significance (1 of 4 stars; one submission).

Conditions:
Frontotemporal dementia and/or amyotrophic lateral sclerosis 4. Also called: FTDALS4. Identifiers: Orphanet 275872, MedGen C4225325, MONDO:0014641, OMIM 616439.

gnomAD v4.1: 17 of 1,613,982 alleles (0.0011%); highest among the groups gnomAD compares: Non-Finnish European, 0.0014%; no homozygotes.

Submission:

Labcorp Genetics (formerly Invitae), Labcorp
Classification: Uncertain significance for Frontotemporal dementia and/or amyotrophic lateral sclerosis 4. Last evaluated: 2026-01-26. Review status: criteria provided, single submitter. Criteria: Invitae Variant Classification Sherloc (09022015). Collection method: clinical testing. Allele origin: germline.
Comment: This sequence change replaces histidine, which is basic and polar, with arginine, which is basic and polar, at codon 538 of the TBK1 protein (p.His538Arg). This variant is present in population databases (rs375428983, gnomAD 0.002%). This variant has not been reported in the literature in individuals affected with TBK1-related conditions. Invitae Evidence Modeling of protein sequence and biophysical properties (such as structural, functional, and spatial information, amino acid conservation, physicochemical variation, residue mobility, and thermodynamic stability) indicates that this missense variant is not expected to disrupt TBK1 protein function with a negative predictive value of 95%. In summary, the available evidence is currently insufficient to determine the role of this variant in disease. Therefore, it has been classified as a Variant of Uncertain Significance.